The following is an entry in ClinVar:

NM_000440.3(PDE6A):c.970C>T (p.His324Tyr)

Gene: PDE6A (phosphodiesterase 6A; minus strand). Cytogenetic location: 5q32.
Variant type: single nucleotide variant.
Coding change: c.970C>T on transcript NM_000440.3 (MANE Select); coding-DNA position 970, C replaced by T.
Protein change: p.His324Tyr; replaces histidine 324 with tyrosine.
Molecular consequence: missense variant.
Genome position (GRCh38, 1-based): chr5:149,914,971, G>A on the plus strand (C>T on the coding strand, the complement: PDE6A is on the minus strand). VCF-style: chr5-149914971-G-A. GRCh37 (hg19) VCF-style: chr5-149294534-G-A.
Other names: c.970C>T (NM_000440.2); short protein forms H324Y.
Identifiers: ClinVar variation 1504950 (VCV001504950.7), dbSNP rs372159495, ClinGen allele CA3504851.
Genomic context (GRCh38, chr5:149,914,971, plus strand): 5'-TGTCATTTTGTCTTTTGACAGGTGAAACTTACGGGATGACTTTGATGTCCTCTTTGCCAT[G>A]CAGGATGTAGTCAATGACCTTGTAAAAGTTAATTTCCTGGCAAAAGAGAGAAAAATTATA-3'
Protein context (NP_000431.2, residues 314-334): NFYKVIDYIL[His324Tyr]GKEDIKVIPN

ClinVar aggregate classification (germline): Uncertain significance. Review status: criteria provided, multiple submitters, no conflicts (2 of 4 stars). 2 submissions from 2 submitters: Uncertain significance (2). Last evaluated 2024-01-16.

Conditions:
Inborn genetic diseases. Identifiers: MedGen C0950123, MeSH D030342.

Allele frequency attached by ClinVar (database versions not stated): TOPMed below 0.00001; gnomAD 0.00001; ExAC 0.00002; gnomAD exomes 0.00002; ESP Exome Variant Server 0.00008.

Submissions (2):

Ambry Genetics
Classification: Uncertain significance for Inborn genetic diseases. Last evaluated: 2024-01-16. Review status: criteria provided, single submitter. Criteria: Ambry Variant Classification Scheme 2023. Collection method: clinical testing. Allele origin: germline.

Labcorp Genetics (formerly Invitae), Labcorp
Classification: Uncertain significance. Last evaluated: 2023-10-18. Review status: criteria provided, single submitter. Criteria: Invitae Variant Classification Sherloc (09022015). Collection method: clinical testing. Allele origin: germline.
Comment: This sequence change replaces histidine, which is basic and polar, with tyrosine, which is neutral and polar, at codon 324 of the PDE6A protein (p.His324Tyr). This variant is present in population databases (rs372159495, gnomAD 0.004%). This variant has not been reported in the literature in individuals affected with PDE6A-related conditions. ClinVar contains an entry for this variant (Variation ID: 1504950). An algorithm developed to predict the effect of missense changes on protein structure and function (PolyPhen-2) suggests that this variant is likely to be disruptive. In summary, the available evidence is currently insufficient to determine the role of this variant in disease. Therefore, it has been classified as a Variant of Uncertain Significance.